The following is an entry in ClinVar:

NM_017563.5(IL17RD):c.56A>G (p.Asn19Ser)

Genes: IL17RD (interleukin 17 receptor D; minus strand), LOC129936924 (ATAC-STARR-seq lymphoblastoid silent region 14478; plus strand). Cytogenetic location: 3p14.3.
Variant type: single nucleotide variant.
Coding change: c.56A>G on transcript NM_017563.5 (MANE Select); coding-DNA position 56, A replaced by G.
Protein change: p.Asn19Ser; replaces asparagine 19 with serine.
Molecular consequence: missense variant. On other transcripts: intron variant (1).
Genome position (GRCh38, 1-based): chr3:57,165,231, T>C on the plus strand (A>G on the coding strand, the complement: IL17RD is on the minus strand). VCF-style: chr3-57165231-T-C. GRCh37 (hg19) VCF-style: chr3-57199259-T-C.
Other names: c.56A>G, p.Asn19Ser (NM_001080973.1); c.-307+4001A>G (NM_001318864.2); short protein forms N19S.
Identifiers: ClinVar variation 2509425 (VCV002509425.7), dbSNP rs932284191, ClinGen allele CA75375278.

ClinVar aggregate classification (germline): Uncertain significance. Review status: criteria provided, multiple submitters, no conflicts (2 of 4 stars). 3 submissions from 3 submitters: Uncertain significance (3). Last evaluated 2025-12-11.

Conditions:
Hypogonadotropic hypogonadism 18 with or without anosmia (HH18). Identifiers: Orphanet 478, MedGen C3808975, MONDO:0014103, OMIM 615267.

Allele frequency attached by ClinVar (database versions not stated): gnomAD exomes 0.00015; gnomAD 0.00010; TOPMed 0.00009.
gnomAD v4.1: 221 of 1,531,346 alleles (0.014%); highest among the groups gnomAD compares: Non-Finnish European, 0.018%; no homozygotes.

Submissions (3):

Labcorp Genetics (formerly Invitae), Labcorp
Classification: Uncertain significance. Last evaluated: 2025-12-11. Review status: criteria provided, single submitter. Criteria: Invitae Variant Classification Sherloc (09022015). Collection method: clinical testing. Allele origin: germline.
Comment: This sequence change replaces asparagine, which is neutral and polar, with serine, which is neutral and polar, at codon 19 of the IL17RD protein (p.Asn19Ser). This variant is present in population databases (no rsID available, gnomAD 0.02%). This variant has not been reported in the literature in individuals affected with IL17RD-related conditions. ClinVar contains an entry for this variant (Variation ID: 2509425). An algorithm developed to predict the effect of missense changes on protein structure and function (PolyPhen-2) suggests that this variant is likely to be tolerated. In summary, the available evidence is currently insufficient to determine the role of this variant in disease. Therefore, it has been classified as a Variant of Uncertain Significance.

Ambry Genetics
Classification: Uncertain significance. Last evaluated: 2025-12-04. Review status: criteria provided, single submitter. Criteria: Ambry Variant Classification Scheme 2023. Collection method: clinical testing. Allele origin: germline.

Department of Pathology and Laboratory Medicine, Sinai Health System
Classification: Uncertain significance for Hypogonadotropic hypogonadism 18 with or without anosmia. Last evaluated: 2022-01-26. Review status: criteria provided, single submitter. Criteria: ACMG Guidelines, 2015. Collection method: research. Allele origin: germline.